The following is an entry in ClinVar:

ClinVar aggregate classification (germline): Uncertain significance (1 of 4 stars; one submission).

Submission:

Women's Health and Genetics/Laboratory Corporation of America, LabCorp
Classification: Uncertain significance. Last evaluated: 2024-03-11. Review status: criteria provided, single submitter. Criteria: LabCorp Variant Classification Summary - May 2015. Collection method: clinical testing. Allele origin: germline.
Comment: Variant summary: CHD3 c.3625G>T (p.Val1209Leu) results in a conservative amino acid change in the encoded protein sequence. Three of five in-silico tools predict a benign effect of the variant on protein function. The variant was absent in 251450 control chromosomes (gnomAD). The available data on variant occurrences in the general population are insufficient to allow any conclusion about variant significance. To our knowledge, no occurrence of c.3625G>T in individuals affected with Snijders Blok-Campeau Syndrome and no experimental evidence demonstrating its impact on protein function have been reported. No submitters have cited clinical-significance assessments for this variant to ClinVar. Based on the evidence outlined above, the variant was classified as uncertain significance.

NM_001005273.3(CHD3):c.3625G>T (p.Val1209Leu)

Gene: CHD3 (chromodomain helicase DNA binding protein 3; plus strand). Cytogenetic location: 17p13.1.
Variant type: single nucleotide variant.
Coding change: c.3625G>T on transcript NM_001005273.3 (MANE Select); coding-DNA position 3625, G replaced by T.
Protein change: p.Val1209Leu; replaces valine 1209 with leucine.
Molecular consequence: missense variant.
Genome position (GRCh38, 1-based): chr17:7,903,401, G>T. VCF-style: chr17-7903401-G-T. GRCh37 (hg19) VCF-style: chr17-7806719-G-T.
Other names: c.3802G>T, p.Val1268Leu (NM_001005271.3); c.3625G>T, p.Val1209Leu (NM_005852.4); short protein forms V1209L, V1268L.
Identifiers: ClinVar variation 3233509 (VCV003233509.2), dbSNP rs2545007589, ClinGen allele CA397942384.